The following is an entry in ClinVar:

ClinVar aggregate classification (germline): Uncertain significance (1 of 4 stars; one submission).

Submission:

Labcorp Genetics (formerly Invitae), Labcorp
Classification: Uncertain significance. Last evaluated: 2022-07-19. Review status: criteria provided, single submitter. Criteria: Invitae Variant Classification Sherloc (09022015). Collection method: clinical testing. Allele origin: germline.
Comment: This sequence change replaces threonine, which is neutral and polar, with isoleucine, which is neutral and non-polar, at codon 866 of the PLK4 protein (p.Thr866Ile). This variant is not present in population databases (gnomAD no frequency). This variant has not been reported in the literature in individuals affected with PLK4-related conditions. Algorithms developed to predict the effect of missense changes on protein structure and function output the following: SIFT: "Deleterious"; PolyPhen-2: "Benign"; Align-GVGD: "Class C0". The isoleucine amino acid residue is found in multiple mammalian species, which suggests that this missense change does not adversely affect protein function. In summary, the available evidence is currently insufficient to determine the role of this variant in disease. Therefore, it has been classified as a Variant of Uncertain Significance.

NM_014264.5(PLK4):c.2597C>T (p.Thr866Ile)

Gene: PLK4 (polo like kinase 4; plus strand). Cytogenetic location: 4q28.1.
Variant type: single nucleotide variant.
Coding change: c.2597C>T on transcript NM_014264.5 (MANE Select); coding-DNA position 2597, C replaced by T.
Protein change: p.Thr866Ile; replaces threonine 866 with isoleucine.
Molecular consequence: missense variant.
Genome position (GRCh38, 1-based): chr4:127,894,987, C>T. VCF-style: chr4-127894987-C-T. GRCh37 (hg19) VCF-style: chr4-128816142-C-T.
Other names: c.2501C>T, p.Thr834Ile (NM_001190799.2); c.2474C>T, p.Thr825Ile (NM_001190801.2); short protein forms T825I, T834I, T866I.
Identifiers: ClinVar variation 2060416 (VCV002060416.4), dbSNP rs2546024715, ClinGen allele CA358164086.